The following is an entry in ClinVar:

NM_000497.4(CYP11B1):c.726del (p.Ser243fs)

Genes: CYP11B1 (cytochrome P450 family 11 subfamily B member 1; minus strand), LOC106799833 (CYP11B1 recombination region; plus strand). Cytogenetic location: 8q24.3.
Variant type: Deletion.
Coding change: c.726del on transcript NM_000497.4 (MANE Select); coding-DNA position 726, one base deleted (G; older notation c.726delG).
Protein change: p.Ser243fs; shifts the reading frame from serine 243.
Molecular consequence: frameshift variant.
Genome position (GRCh38, 1-based): chr8:142,876,755, C deleted on the plus strand (G on the coding strand, the reverse complement: CYP11B1 is on the minus strand); the first of 2 consecutive C bases (chr8:142,876,755-142,876,756); deleting either gives the same sequence. VCF-style (leftmost placement, unchanged base first): chr8-142876754-TC-T. GRCh37 (hg19) VCF-style: chr8-143958170-TC-T.
Other names: c.726del, p.Ser243fs (NM_001026213.1); short protein forms S243fs.
Identifiers: ClinVar variation 1072465 (VCV001072465.10), dbSNP rs1327055239, ClinGen allele CA848687313.

ClinVar aggregate classification (germline): Pathogenic/Likely pathogenic. Review status: criteria provided, multiple submitters, no conflicts (2 of 4 stars). 3 submissions from 3 submitters: Pathogenic (1); Likely pathogenic (2). Last evaluated 2026-01-11.

Conditions:
Glucocorticoid-remediable aldosteronism. Also called: Hyperaldosteronism, familial, type I; ALDOSTERONISM, SENSITIVE TO DEXAMETHASONE; ACTH-DEPENDENT HYPERALDOSTERONISM SYNDROME; FH I; GLUCOCORTICOID-SUPPRESSIBLE HYPERALDOSTERONISM. Identifiers: Orphanet 403, MedGen C3838731, MONDO:0007080, OMIM 103900.
Deficiency of steroid 11-beta-monooxygenase (CYP11B1). Also called: ADRENAL HYPERPLASIA IV; STEROID 11-BETA-HYDROXYLASE DEFICIENCY; Congenital adrenal hyperplasia due to 11-beta-hydroxylase deficiency; P450C11B1 DEFICIENCY; ADRENAL HYPERPLASIA, CONGENITAL, DUE TO STEROID 11-BETA-HYDROXYLASE DEFICIENCY; 11-BETA-HYDROXYLASE DEFICIENCY. Identifiers: Orphanet 90795, MedGen C0268292, MONDO:0008729, OMIM 202010. Disease mechanism: loss of function.
Congenital adrenal hyperplasia. Identifiers: Orphanet 418, MedGen C0001627, MONDO:0018479, HP:0008258.

Submissions (3):

Labcorp Genetics (formerly Invitae), Labcorp
Classification: Pathogenic. Last evaluated: 2026-01-11. Review status: criteria provided, single submitter. Criteria: Invitae Variant Classification Sherloc (09022015). Collection method: clinical testing. Allele origin: germline.
Comment: This sequence change creates a premature translational stop signal (p.Ser243Alafs*53) in the CYP11B1 gene. It is expected to result in an absent or disrupted protein product. Loss-of-function variants in CYP11B1 are known to be pathogenic (PMID: 8506298, 26476331). This variant is not present in population databases (gnomAD no frequency). This variant has not been reported in the literature in individuals affected with CYP11B1-related conditions. ClinVar contains an entry for this variant (Variation ID: 1072465). For these reasons, this variant has been classified as Pathogenic.

Fulgent Genetics
Classification: Likely pathogenic for Glucocorticoid-remediable aldosteronism; Deficiency of steroid 11-beta-monooxygenase. Last evaluated: 2024-05-15. Review status: criteria provided, single submitter. Criteria: ACMG Guidelines, 2015. Collection method: clinical testing. Allele origin: germline.

Women's Health and Genetics/Laboratory Corporation of America, LabCorp
Classification: Likely pathogenic for Congenital adrenal hyperplasia. Last evaluated: 2021-12-21. Review status: criteria provided, single submitter. Criteria: LabCorp Variant Classification Summary - May 2015. Collection method: clinical testing. Allele origin: germline.
Comment: Variant summary: CYP11B1 c.726delG (p.Ser243AlafsX53) results in a premature termination codon, predicted to cause a truncation of the encoded protein or absence of the protein due to nonsense mediated decay, which are commonly known mechanisms for disease. Truncations downstream of this position have been classified as pathogenic by our laboratory. The variant was absent in 250476 control chromosomes. To our knowledge, no occurrence of c.726delG in individuals affected with Congenital Adrenal Hyperplasia and no experimental evidence demonstrating its impact on protein function have been reported. One clinical diagnostic laboratory has submitted clinical-significance assessments for this variant to ClinVar after 2014 without evidence for independent evaluation and classified the variant as pathogenic. Based on the evidence outlined above, the variant was classified as likely pathogenic.

Literature cited by the submitters: PubMed 8506298 (cited by Labcorp Genetics (formerly Invitae), Labcorp); PubMed 26476331 (cited by Labcorp Genetics (formerly Invitae), Labcorp).